The following is an entry in ClinVar:

ClinVar aggregate classification (germline): Uncertain significance (1 of 4 stars; one submission).

Conditions:
Cryptosporidiosis-chronic cholangitis-liver disease syndrome. Also called: IL21R immunodeficiency; Immunodeficiency type 56. Identifiers: Orphanet 357329, MedGen C3554687, MONDO:0014082, OMIM 615207.

gnomAD v4.1: 10 of 1,612,708 alleles (0.00062%); highest among the groups gnomAD compares: East Asian, 0.018%; no homozygotes.

Submission:

Labcorp Genetics (formerly Invitae), Labcorp
Classification: Uncertain significance for Cryptosporidiosis-chronic cholangitis-liver disease syndrome. Last evaluated: 2019-07-17. Review status: criteria provided, single submitter. Criteria: Invitae Variant Classification Sherloc (09022015). Collection method: clinical testing. Allele origin: germline.
Comment: In summary, the available evidence is currently insufficient to determine the role of this variant in disease. Therefore, it has been classified as a Variant of Uncertain Significance. Algorithms developed to predict the effect of missense changes on protein structure and function are either unavailable or do not agree on the potential impact of this missense change (SIFT: "Tolerated"; PolyPhen-2: "Probably Damaging"; Align-GVGD: "Class C0"). This variant has not been reported in the literature in individuals with IL21R-related conditions. This variant is present in population databases (rs546105423, ExAC 0.02%). This sequence change replaces proline with leucine at codon 515 of the IL21R protein (p.Pro515Leu). The proline residue is highly conserved and there is a moderate physicochemical difference between proline and leucine.

NM_181078.3(IL21R):c.1544C>T (p.Pro515Leu)

Genes: IL21R (interleukin 21 receptor; plus strand), IL21R-AS1 (IL21R antisense RNA 1; minus strand), LOC130058713 (ATAC-STARR-seq lymphoblastoid active region 10627; plus strand). Cytogenetic location: 16p12.1.
Variant type: single nucleotide variant.
Coding change: c.1544C>T on transcript NM_181078.3 (MANE Select); coding-DNA position 1544, C replaced by T.
Protein change: p.Pro515Leu; replaces proline 515 with leucine.
Molecular consequence: missense variant. On other transcripts: non-coding transcript variant (1).
Genome position (GRCh38, 1-based): chr16:27,449,210, C>T. VCF-style: chr16-27449210-C-T. GRCh37 (hg19) VCF-style: chr16-27460531-C-T.
Other names: c.1544C>T, p.Pro515Leu (NM_021798.4); c.1610C>T, p.Pro537Leu (NM_181079.5); short protein forms P515L, P537L.
Identifiers: ClinVar variation 956535 (VCV000956535.8), dbSNP rs546105423, ClinGen allele CA7975223.
Genomic context (GRCh38, chr16:27,449,210, plus strand): 5'-TGGGCTCTGACTGCAGCAGCCCTGTGGAGTGTGACTTCACCAGCCCCGGGGACGAAGGAC[C>T]CCCCCGGAGCTACCTCCGCCAGTGGGTGGTCATTCCTCCGCCACTTTCGAGCCCTGGACC-3'
Protein context (NP_851564.1, residues 505-525): CDFTSPGDEG[Pro515Leu]PRSYLRQWVV